The following is an entry in ClinVar:

NM_001110556.2(FLNA):c.5298C>T (p.Gly1766=)

Gene: FLNA (filamin A; minus strand). Cytogenetic location: Xq28.
Variant type: single nucleotide variant.
Coding change: c.5298C>T on transcript NM_001110556.2 (MANE Select); coding-DNA position 5298, C replaced by T.
Protein change: p.Gly1766=; no amino-acid change (glycine 1766 retained).
Molecular consequence: synonymous variant.
Genome position (GRCh38, 1-based): chrX:154,354,631, G>A on the plus strand (C>T on the coding strand, the complement: FLNA is on the minus strand). VCF-style: chrX-154354631-G-A. GRCh37 (hg19) VCF-style: chrX-153582999-G-A.
Other names: c.5274C>T, p.Gly1758= (NM_001456.4); c.5274C>T (NM_001456.3).
Identifiers: ClinVar variation 3388150 (VCV003388150.16).

ClinVar aggregate classification (germline): Likely benign. Review status: criteria provided, multiple submitters, no conflicts (2 of 4 stars). 3 submissions from 3 submitters: Likely benign (3). Last evaluated 2025-10-26.

Conditions:
Familial thoracic aortic aneurysm and aortic dissection (TAAD). Also called: Thoracic aortic aneurysms and dissections. Identifiers: Orphanet 91387, MedGen C4707243, MONDO:0019625.
Melnick-Needles syndrome (MNS). Also called: MELNICK-NEEDLES OSTEODYSPLASTY; OSTEODYSPLASTY OF MELNICK AND NEEDLES; Melnick-Needles Syndrome (FLNA-MNS). Identifiers: Orphanet 2484, MedGen C0025237, MONDO:0010650, OMIM 309350.
Frontometaphyseal dysplasia (FMD1). Identifiers: Orphanet 1826, MedGen C0265293, MONDO:0015942.
Heterotopia, periventricular, X-linked dominant (PVNH1). Also called: PERIVENTRICULAR NODULAR HETEROTOPIA 1; X-linked periventricular heterotopia; PERIVENTRICULAR NODULAR HETEROTOPIA 4; HETEROTOPIA, PERIVENTRICULAR, 1. Identifiers: Orphanet 2149, Orphanet 82004, MedGen C1848213, MONDO:0010233, OMIM 300049.
Oto-palato-digital syndrome, type II (OPD2). Also called: FACIOPALATOOSSEOUS SYNDROME; OPD II SYNDROME; Otopalatodigital Syndrome, Type II; Otopalatodigital Syndrome Type 2 (FLNA-OPD2). Identifiers: Orphanet 669, Orphanet 90652, MedGen C1844696, MONDO:0010571, OMIM 304120.

gnomAD v4.1: 7 of 1,202,790 alleles (0.00058%); highest among the groups gnomAD compares: East Asian, 0.012%; no homozygotes.

Submissions (3):

Ambry Genetics
Classification: Likely benign for Familial thoracic aortic aneurysm and aortic dissection. Last evaluated: 2025-10-26. Review status: criteria provided, single submitter. Criteria: Ambry Variant Classification Scheme 2023. Collection method: clinical testing. Allele origin: germline.

CeGaT Center for Human Genetics Tuebingen
Classification: Likely benign. Last evaluated: 2024-10-01. Review status: criteria provided, single submitter. Criteria: CeGaT Center For Human Genetics Tuebingen Variant Classification Criteria Version 2. Collection method: clinical testing. Allele origin: germline. Affected: yes. Observed: 1 variant allele.
Comment: FLNA: BP4, BP7

Labcorp Genetics (formerly Invitae), Labcorp
Classification: Likely benign for Oto-palato-digital syndrome, type II; Heterotopia, periventricular, X-linked dominant; Frontometaphyseal dysplasia; Melnick-Needles syndrome. Last evaluated: 2024-04-14. Review status: criteria provided, single submitter. Criteria: Invitae Variant Classification Sherloc (09022015). Collection method: clinical testing. Allele origin: germline.